The following is an entry in ClinVar:

NM_032830.3(UTP4):c.896C>T (p.Ala299Val)

Gene: UTP4 (UTP4 small subunit processome component). Cytogenetic location: 16q22.1.
Variant type: single nucleotide variant.
Coding change: c.896C>T on transcript NM_032830.3 (MANE Select); coding-DNA position 896, C replaced by T.
Protein change: p.Ala299Val; replaces alanine 299 with valine.
Molecular consequence: missense variant.
Genome position (GRCh38, 1-based): chr16:69,150,694, C>T. VCF-style: chr16-69150694-C-T. GRCh37 (hg19) VCF-style: chr16-69184597-C-T.
Other names: c.647C>T, p.Ala216Val (NM_001318391.2); short protein forms A216V, A299V.
Identifiers: ClinVar variation 4982969 (VCV004982969.1).

ClinVar aggregate classification (germline): Uncertain significance (1 of 4 stars; one submission).

Conditions:
UTP4-related disorder. Also called: UTP4-related condition.

gnomAD v4.1: 10 of 1,614,222 alleles (0.00062%); highest among the groups gnomAD compares: Admixed American, 0.0033%; no homozygotes.

Submission:

PreventionGenetics, part of Exact Sciences
Classification: Uncertain significance for UTP4-related condition. Last evaluated: 2025-01-08. Review status: criteria provided, single submitter. Criteria: ACMG Guidelines, 2015. Collection method: clinical testing. Allele origin: germline.
Comment: The UTP4 c.896C>T variant is predicted to result in the amino acid substitution p.Ala299Val. To our knowledge, this variant has not been reported in the literature. This variant is reported in 0.011% of alleles in individuals of East Asian descent in gnomAD. At this time, the clinical significance of this variant is uncertain due to the absence of conclusive functional and genetic evidence.